The following is an entry in ClinVar:

ClinVar aggregate classification (germline): Conflicting classifications of pathogenicity. Review status: criteria provided, conflicting classifications (1 of 4 stars). 11 submissions from 11 submitters: Likely pathogenic (1); Uncertain significance (8). 2 of the submissions do not count toward it. Last evaluated 2025-12-08.

Conditions:
Emery-Dreifuss muscular dystrophy 7, autosomal dominant (EDMD7). Also called: Emery-Dreifuss muscular dystrophy 7, AD. Identifiers: Orphanet 261, MedGen C3553060, MONDO:0013677, OMIM 614302.
Auditory neuropathy, autosomal dominant 3 (AUNA3). Identifiers: MedGen C5676964, MONDO:0859235, OMIM 619832.
Arrhythmogenic right ventricular dysplasia 5. Also called: Arrhythmogenic Right Ventricular Dysplasia/Cardiomyopathy 5; ARRHYTHMOGENIC RIGHT VENTRICULAR DYSPLASIA, FAMILIAL, 5. Identifiers: MedGen C1858379, MONDO:0011459, OMIM 604400.
Cardiovascular phenotype. Identifiers: MedGen CN230736.
Cardiomyopathy (CMYO). Also called: Cardiomyopathies. Identifiers: Orphanet 167848, MedGen C0878544, MONDO:0004994, HP:0001638. Inheritance: Various modes of inheritance.

Allele frequency attached by ClinVar (database versions not stated): ExAC 0.00001; gnomAD exomes 0.00001; gnomAD 0.00003; TOPMed 0.00003.
gnomAD v4.1: 15 of 1,614,076 alleles (0.00093%); highest among the groups gnomAD compares: African/African-American, 0.0013%; no homozygotes.

Submissions (11):

Labcorp Genetics (formerly Invitae), Labcorp
Classification: Uncertain significance for Arrhythmogenic right ventricular dysplasia 5. Last evaluated: 2025-12-08. Review status: criteria provided, single submitter. Criteria: Invitae Variant Classification Sherloc (09022015). Collection method: clinical testing. Allele origin: germline.
Comment: This sequence change creates a premature translational stop signal (p.Arg372*) in the TMEM43 gene. While this is not anticipated to result in nonsense mediated decay, it is expected to disrupt the last 29 amino acid(s) of the TMEM43 protein. This variant is present in population databases (rs773224617, gnomAD 0.007%). This premature translational stop signal has been observed in individual(s) with auditory neuropathy (PMID: 34050020). It has also been observed to segregate with disease in related individuals. ClinVar contains an entry for this variant (Variation ID: 403555). Algorithms developed to predict the effect of variants on gene product structure and function are not available or were not evaluated for this variant. Experimental studies have shown that this premature translational stop signal affects TMEM43 function (PMID: 34050020). In summary, the available evidence is currently insufficient to determine the role of this variant in disease. Therefore, it has been classified as a Variant of Uncertain Significance.

Color Diagnostics, LLC DBA Color Health
Classification: Uncertain significance for Cardiomyopathy. Last evaluated: 2025-03-24. Review status: criteria provided, single submitter. Criteria: ACMG Guidelines, 2015. Collection method: clinical testing. Allele origin: germline.
Comment: This variant changes one nucleotide in exon 12 of the TMEM43 gene, creating a premature translation stop signal in the last exon. This variant is expected to escape nonsense-mediated decay and be expressed as a truncation protein. A functional study using a knock-in mouse model has shown that this variant results in progressive hearing loss without signs of arrhythmogenic cardiomyopathy (PMID: 34050020). This variant has been reported in two families affected with adult-onset autosomal dominant auditory neuropathy spectrum disorder. Affected carriers from these families did not display symptoms of arrhythmia or other heart abnormalities (PMID: 34050020). This variant has been identified in 2/251418 chromosomes in the general population by the Genome Aggregation Database (gnomAD). The available evidence is insufficient to determine the role of this variant in cardiomyopathy conclusively. Therefore, this variant is classified as a Variant of Uncertain Significance.

All of Us Research Program, National Institutes of Health
Classification: Uncertain significance for Arrhythmogenic right ventricular dysplasia 5. Last evaluated: 2023-10-23. Review status: criteria provided, single submitter. Criteria: ACMG Guidelines, 2015. Collection method: clinical testing. Allele origin: germline. Inheritance: Autosomal dominant inheritance. Observed: 1 variant allele, 1 heterozygote.
Comment: This variant changes one nucleotide in exon 12 of the TMEM43 gene, creating a premature translation stop signal. This variant is expected to escape nonsense-mediated decay and be expressed as a truncation protein. A functional study has shown that this variant causes progressive hearing loss in knock-in mouse which does not show any sign of arrhythmogenic right ventricular cardiomyopathy in the electrocardiography (Jang et al. 2020, doi: DOI 10.1101/2020.07.27.222323). This variant has been reported in two families affected with adult-onset autosomal dominant auditory neuropathy spectrum disorder. Affected carriers from these families did not display symptoms of either arrhythmia or any other heart abnormalities (Jang et al. 2020, doi: DOI 10.1101/2020.07.27.222323). This variant has been identified in 2/251418 chromosomes in the general population by the Genome Aggregation Database (gnomAD). In summary, this variant has been observed in multiple individuals affected with auditory neuropathy spectrum disorder, but the available evidence is insufficient to determine the role of this variant in cardiomyopathy conclusively. Therefore, this variant is classified as a Variant of Uncertain Significance for cardiomyopathy.

This study involves interpretation of variants in research participants for the purpose of population health screening. Participant phenotype was not available at the time of variant classification. Additional details can be found in publication PMID: 35346344, PMCID: PMC8962531

3billion
Classification: Likely pathogenic for Auditory neuropathy, autosomal dominant 3. Last evaluated: 2023-02-23. Review status: criteria provided, single submitter. Criteria: ACMG Guidelines, 2015. Collection method: clinical testing. Allele origin: unknown. Affected: yes.
Comment: The variant is observed at an extremely low frequency in the gnomAD v2.1.1 dataset (total allele frequency: <0.001%). This variant was predicted to result in a loss or disruption of normal protein function through protein truncation. The predicted truncated protein may be shortened by less than 10%. Functional studies provide moderate evidence of the variant having a damaging effect on the gene or gene product (PMID: 34050020). The variant has been reported to be associated with TMEM43 related disorder (ClinVar ID: VCV000403555 / PMID: 34050020). Therefore, this variant is classified as Likely pathogenic according to the recommendation of ACMG/AMP guideline.

Blueprint Genetics
Classification: Uncertain significance. Last evaluated: 2022-04-28. Review status: criteria provided, single submitter. Criteria: ACMG Guidelines, 2015. Collection method: clinical testing. Allele origin: germline.

AiLife Diagnostics
Classification: Uncertain significance. Last evaluated: 2021-09-20. Review status: criteria provided, single submitter. Criteria: ACMG Guidelines, 2015. Collection method: clinical testing. Allele origin: germline. Affected: yes. Observed: 1 variant allele.

Fulgent Genetics
Classification: Uncertain significance for Arrhythmogenic right ventricular dysplasia 5; Emery-Dreifuss muscular dystrophy 7, autosomal dominant; Auditory neuropathy, autosomal dominant 3. Last evaluated: 2021-08-16. Review status: criteria provided, single submitter. Criteria: ACMG Guidelines, 2015. Collection method: clinical testing. Allele origin: unknown.

Ambry Genetics
Classification: Uncertain significance for Cardiovascular phenotype. Last evaluated: 2021-02-23. Review status: criteria provided, single submitter. Criteria: Ambry Variant Classification Scheme 2023. Collection method: clinical testing. Allele origin: germline.
Comment: The p.R372* variant (also known as c.1114C>T), located in coding exon 12 of the TMEM43 gene, results from a C to T substitution at nucleotide position 1114. This changes the amino acid from an arginine to a stop codon within coding exon 12. This alteration is expected to result in premature protein truncation or nonsense-mediated mRNA decay. However, loss of function of TMEM43 has not been clearly established as a mechanism of disease. Since supporting evidence is limited at this time, the clinical significance of this alteration remains unclear

Laboratory for Molecular Medicine, Mass General Brigham Personalized Medicine
Classification: Uncertain significance. Last evaluated: 2016-12-16. Review status: criteria provided, single submitter. Criteria: LMM Criteria. Collection method: clinical testing. Allele origin: germline.
Comment: Variant identified in a genome or exome case(s) and assessed due to predicted null impact of the variant or pathogenic assertions in the literature or databases. Disclaimer: This variant has not undergone full assessment. The following are preliminary notes: This is a stop variant in exon 12 of 12 in TMEM43. This variant has not been reported in affected individuals and is not present in ClinVar. It has a Max MAF of 0.001% in ExAC (1 allele) and 0.006% in gnomAD (1 allele). This variant is predicted to be pathogenic by prediction tools.

OMIM
Classification: Pathogenic for AUDITORY NEUROPATHY, AUTOSOMAL DOMINANT 3. Last evaluated: 2023-07-13. Review status: no assertion criteria provided. Collection method: literature only. Allele origin: germline. Not counted in ClinVar's aggregate classification.

Clinical Genetics Laboratory, University Hospital Schleswig-Holstein
Classification: Likely pathogenic for Auditory neuropathy, autosomal dominant 3. Last evaluated: 2022-09-22. Review status: no assertion criteria provided. Collection method: clinical testing. Allele origin: germline. Affected: yes. Not counted in ClinVar's aggregate classification.

Literature cited by the submitters: PubMed 34050020 (cited by 4 submitters).

NM_024334.3(TMEM43):c.1114C>T (p.Arg372Ter)

Gene: TMEM43 (transmembrane protein 43; plus strand). Cytogenetic location: 3p25.1.
Variant type: single nucleotide variant.
Coding change: c.1114C>T on transcript NM_024334.3 (MANE Select); coding-DNA position 1114, C replaced by T.
Protein change: p.Arg372Ter; replaces arginine 372 with a stop codon.
Molecular consequence: nonsense.
Genome position (GRCh38, 1-based): chr3:14,141,706, C>T. VCF-style: chr3-14141706-C-T. GRCh37 (hg19) VCF-style: chr3-14183206-C-T.
Other names: short protein forms R372*.
Identifiers: ClinVar variation 403555 (VCV000403555.21), dbSNP rs773224617, ClinGen allele CA051252.